The following is an entry in ClinVar:

ClinVar aggregate classification (germline): Uncertain significance (1 of 4 stars; one submission).

Allele frequency attached by ClinVar (database versions not stated): gnomAD exomes below 0.00001.
gnomAD v4.1: 1 of 1,614,196 alleles (0.000062%); highest among the groups gnomAD compares: South Asian, 0.0011%; no homozygotes.

Submission:

Ambry Genetics
Classification: Uncertain significance. Last evaluated: 2022-11-10. Review status: criteria provided, single submitter. Criteria: Ambry Variant Classification Scheme 2023. Collection method: clinical testing. Allele origin: germline.
Comment: The p.S752P variant (also known as c.2254T>C), located in coding exon 4 of the ALPK2 gene, results from a T to C substitution at nucleotide position 2254. The serine at codon 752 is replaced by proline, an amino acid with similar properties. This amino acid position is conserved. In addition, this alteration is predicted to be tolerated by in silico analysis. Since supporting evidence is limited at this time, the clinical significance of this alteration remains unclear.

NM_052947.4(ALPK2):c.2254T>C (p.Ser752Pro)

Gene: ALPK2 (alpha kinase 2; minus strand). Cytogenetic location: 18q21.31.
Variant type: single nucleotide variant.
Coding change: c.2254T>C on transcript NM_052947.4 (MANE Select); coding-DNA position 2254, T replaced by C.
Protein change: p.Ser752Pro; replaces serine 752 with proline.
Molecular consequence: missense variant.
Genome position (GRCh38, 1-based): chr18:58,537,933, A>G on the plus strand (T>C on the coding strand, the complement: ALPK2 is on the minus strand). VCF-style: chr18-58537933-A-G. GRCh37 (hg19) VCF-style: chr18-56205165-A-G.
Other names: short protein forms S752P.
Identifiers: ClinVar variation 2449198 (VCV002449198.2), dbSNP rs2518877934, ClinGen allele CA402571154.